The following is an entry in ClinVar:

NM_001376113.1(ZBTB38):c.1844C>T (p.Thr615Met)

Gene: ZBTB38 (zinc finger and BTB domain containing 38; plus strand). Cytogenetic location: 3q23.
Variant type: single nucleotide variant.
Coding change: c.1844C>T on transcript NM_001376113.1 (MANE Select); coding-DNA position 1844, C replaced by T.
Protein change: p.Thr615Met; replaces threonine 615 with methionine.
Molecular consequence: missense variant.
Genome position (GRCh38, 1-based): chr3:141,444,232, C>T. VCF-style: chr3-141444232-C-T. GRCh37 (hg19) VCF-style: chr3-141163074-C-T.
Other names: c.1844C>T, p.Thr615Met (NM_001376158.1, NM_001376159.1, NM_001376160.1 and 81 more transcripts); short protein forms T615M.
Identifiers: ClinVar variation 2654198 (VCV002654198.24), dbSNP rs17787670, ClinGen allele CA2644816.

ClinVar aggregate classification (germline): Likely benign (1 of 4 stars; one submission).

Allele frequency attached by ClinVar (database versions not stated): 1000 Genomes Project 0.00479; 1000 Genomes Project 30x 0.00484; ExAC 0.00578; ESP Exome Variant Server 0.00609; gnomAD 0.00628; TOPMed 0.00692; gnomAD exomes 0.00779.
gnomAD v4.1: 12,384 of 1,614,184 alleles (0.77%); highest among the groups gnomAD compares: Middle Eastern, 2%; 69 homozygotes.

Submission:

CeGaT Center for Human Genetics Tuebingen
Classification: Likely benign. Last evaluated: 2023-03-01. Review status: criteria provided, single submitter. Criteria: CeGaT Center For Human Genetics Tuebingen Variant Classification Criteria Version 2. Collection method: clinical testing. Allele origin: germline. Affected: yes. Observed: 2 variant alleles.
Comment: ZBTB38: BP4, BS2